The following is an entry in ClinVar:

NM_020778.5(ALPK3):c.4192T>G (p.Trp1398Gly)

Gene: ALPK3 (alpha kinase 3; plus strand). Cytogenetic location: 15q25.3.
Variant type: single nucleotide variant.
Coding change: c.4192T>G on transcript NM_020778.5 (MANE Select); coding-DNA position 4192, T replaced by G.
Protein change: p.Trp1398Gly; replaces tryptophan 1398 with glycine.
Molecular consequence: missense variant.
Genome position (GRCh38, 1-based): chr15:84,862,697, T>G. VCF-style: chr15-84862697-T-G. GRCh37 (hg19) VCF-style: chr15-85405928-T-G.
Other names: short protein forms W1398G.
Identifiers: ClinVar variation 1743143 (VCV001743143.5), dbSNP rs1160297149, ClinGen allele CA393362698.

ClinVar aggregate classification (germline): Uncertain significance. Review status: criteria provided, multiple submitters, no conflicts (2 of 4 stars). 2 submissions from 2 submitters: Uncertain significance (2). Last evaluated 2025-12-09.

Conditions:
Cardiovascular phenotype. Identifiers: MedGen CN230736.

Allele frequency attached by ClinVar (database versions not stated): gnomAD 0.00003; gnomAD exomes below 0.00001.
gnomAD v4.1: 6 of 1,613,998 alleles (0.00037%); highest among the groups gnomAD compares: Non-Finnish European, 0.00042%; no homozygotes.

Submissions (2):

Labcorp Genetics (formerly Invitae), Labcorp
Classification: Uncertain significance. Last evaluated: 2025-12-09. Review status: criteria provided, single submitter. Criteria: Invitae Variant Classification Sherloc (09022015). Collection method: clinical testing. Allele origin: germline.
Comment: This sequence change replaces tryptophan, which is neutral and slightly polar, with glycine, which is neutral and non-polar, at codon 1600 of the ALPK3 protein (p.Trp1600Gly). This variant is present in population databases (no rsID available, gnomAD 0.02%). This variant has not been reported in the literature in individuals affected with ALPK3-related conditions. ClinVar contains an entry for this variant (Variation ID: 1743143). Invitae Evidence Modeling of protein sequence and biophysical properties (such as structural, functional, and spatial information, amino acid conservation, physicochemical variation, residue mobility, and thermodynamic stability) indicates that this missense variant is expected to disrupt ALPK3 protein function with a positive predictive value of 80%. In summary, the available evidence is currently insufficient to determine the role of this variant in disease. Therefore, it has been classified as a Variant of Uncertain Significance.

Ambry Genetics
Classification: Uncertain significance for Cardiovascular phenotype. Last evaluated: 2021-11-19. Review status: criteria provided, single submitter. Criteria: Ambry Variant Classification Scheme 2023. Collection method: clinical testing. Allele origin: germline.
Comment: The p.W1600G variant (also known as c.4798T>G), located in coding exon 10 of the ALPK3 gene, results from a T to G substitution at nucleotide position 4798. The tryptophan at codon 1600 is replaced by glycine, an amino acid with highly dissimilar properties. This amino acid position is conserved. In addition, the in silico prediction for this alteration is inconclusive. Since supporting evidence is limited at this time, the clinical significance of this alteration remains unclear.